The following is an entry in ClinVar:

NM_182914.3(SYNE2):c.13453G>A (p.Val4485Met)

Gene: SYNE2 (spectrin repeat containing nuclear envelope protein 2; plus strand). Cytogenetic location: 14q23.2.
Variant type: single nucleotide variant.
Coding change: c.13453G>A on transcript NM_182914.3 (MANE Select); coding-DNA position 13453, G replaced by A.
Protein change: p.Val4485Met; replaces valine 4485 with methionine.
Molecular consequence: missense variant.
Genome position (GRCh38, 1-based): chr14:64,125,109, G>A. VCF-style: chr14-64125109-G-A. GRCh37 (hg19) VCF-style: chr14-64591827-G-A.
Other names: c.13453G>A, p.Val4485Met (NM_015180.6); short protein forms V4485M.
Identifiers: ClinVar variation 2920366 (VCV002920366.3), dbSNP rs747590976, ClinGen allele CA7222455.

ClinVar aggregate classification (germline): Uncertain significance (1 of 4 stars; one submission).

Conditions:
Emery-Dreifuss muscular dystrophy 5, autosomal dominant (EDMD5). Also called: EMERY-DREIFUSS MUSCULAR DYSTROPHY 5. Identifiers: Orphanet 261, MedGen C2751805, MONDO:0013072, OMIM 612999.

Allele frequency attached by ClinVar (database versions not stated): gnomAD 0.00001; TOPMed 0.00001; ExAC 0.00003.
gnomAD v4.1: 35 of 1,614,028 alleles (0.0022%); highest among the groups gnomAD compares: South Asian, 0.012%; no homozygotes.

Submission:

Labcorp Genetics (formerly Invitae), Labcorp
Classification: Uncertain significance for Emery-Dreifuss muscular dystrophy 5, autosomal dominant. Last evaluated: 2023-07-20. Review status: criteria provided, single submitter. Criteria: Invitae Variant Classification Sherloc (09022015). Collection method: clinical testing. Allele origin: germline.
Comment: In summary, the available evidence is currently insufficient to determine the role of this variant in disease. Therefore, it has been classified as a Variant of Uncertain Significance. An algorithm developed to predict the effect of missense changes on protein structure and function (PolyPhen-2) suggests that this variant is likely to be tolerated. This variant has not been reported in the literature in individuals affected with SYNE2-related conditions. This variant is present in population databases (rs747590976, gnomAD 0.01%). This sequence change replaces valine, which is neutral and non-polar, with methionine, which is neutral and non-polar, at codon 4485 of the SYNE2 protein (p.Val4485Met).